The following is an entry in ClinVar:

ClinVar aggregate classification (germline): Likely pathogenic. Review status: criteria provided, multiple submitters, no conflicts (2 of 4 stars). 3 submissions from 2 submitters: Likely pathogenic (3). Last evaluated 2025-03-06.

Conditions:
Becker muscular dystrophy (BMD). Also called: MUSCULAR DYSTROPHY, PSEUDOHYPERTROPHIC PROGRESSIVE, BECKER TYPE; Becker Muscular Dystrophy (BMD). Identifiers: Orphanet 98895, MedGen C0917713, MONDO:0010311, OMIM 300376.
Duchenne muscular dystrophy (DMD). Also called: MUSCULAR DYSTROPHY, PSEUDOHYPERTROPHIC PROGRESSIVE, DUCHENNE TYPE; Duchenne Muscular Dystrophy (DMD). Identifiers: Orphanet 98896, MedGen C0013264, MONDO:0010679, OMIM 310200.

Submissions (3):

Variantyx, Inc.
Classification: Likely pathogenic for Becker muscular dystrophy. Last evaluated: 2025-03-06. Review status: criteria provided, single submitter. Criteria: Variantyx Assertion Criteria 2022. Collection method: clinical testing. Allele origin: germline. Affected: yes.
Comment: This is an intronic variant in the DMD gene (OMIM: 300377). Pathogenic variants in this gene have been associated with X-linked Becker muscular dystrophy. This variant has been reported in at least 1 affected individual(s) (PMID: 16077730) (PS4_Supporting). Functional studies have shown that this variant alters DMD protein function (PMID: 16077730) (PS3). This variant is absent from control populations (PM2_Supporting). Based on the current evidence, this variant is classified as likely pathogenic for X-linked Becker muscular dystrophy.

Laboratory of Medical Genetics, National & Kapodistrian University of Athens
Classification: Likely pathogenic for Duchenne muscular dystrophy. Last evaluated: 2022-12-23. Review status: criteria provided, single submitter. Criteria: ACMG Guidelines, 2015. Collection method: clinical testing. Allele origin: germline. Affected: yes.
Comment: PM2, PP3, PP5

Laboratory of Medical Genetics, National & Kapodistrian University of Athens
Classification: Likely pathogenic for Becker muscular dystrophy. Last evaluated: 2022-12-16. Review status: criteria provided, single submitter. Criteria: ACMG Guidelines, 2015. Collection method: clinical testing. Allele origin: germline. Affected: yes.
Comment: the same text as in the submission from Laboratory of Medical Genetics, National & Kapodistrian University of Athens above.

NM_004006.3(DMD):c.4519-5C>G

Gene: DMD (dystrophin; minus strand). Cytogenetic location: Xp21.1.
Variant type: single nucleotide variant.
Coding change: c.4519-5C>G on transcript NM_004006.3 (MANE Select); 5 bases into the intron before coding-DNA position 4519, C replaced by G.
Molecular consequence: intron variant.
Genome position (GRCh38, 1-based): chrX:32,386,470, G>C on the plus strand (C>G on the coding strand, the complement: DMD is on the minus strand). VCF-style: chrX-32386470-G-C. GRCh37 (hg19) VCF-style: chrX-32404587-G-C.
Other names: c.4495-5C>G (NM_000109.4); c.496-5C>G (NM_004011.4); c.487-5C>G (NM_004012.4); c.4507-5C>G (NM_004009.3); c.4150-5C>G (NM_004010.3).
Identifiers: ClinVar variation 1324247 (VCV001324247.4), dbSNP rs2147560185, ClinGen allele CA2573055270.